The following is an entry in ClinVar:

ClinVar aggregate classification (germline): Uncertain significance (1 of 4 stars; one submission).

Allele frequency attached by ClinVar (database versions not stated): gnomAD exomes below 0.00001; gnomAD 0.00001; TOPMed 0.00001.
gnomAD v4.1: 2 of 1,608,626 alleles (0.00012%); highest among the groups gnomAD compares: African/African-American, 0.0013%; no homozygotes.

Submission:

Labcorp Genetics (formerly Invitae), Labcorp
Classification: Uncertain significance. Last evaluated: 2022-04-16. Review status: criteria provided, single submitter. Criteria: Invitae Variant Classification Sherloc (09022015). Collection method: clinical testing. Allele origin: germline.
Comment: In summary, the available evidence is currently insufficient to determine the role of this variant in disease. Therefore, it has been classified as a Variant of Uncertain Significance. Algorithms developed to predict the effect of missense changes on protein structure and function are either unavailable or do not agree on the potential impact of this missense change (SIFT: "Tolerated"; PolyPhen-2: "Not Available"; Align-GVGD: "Class C0"). This variant has not been reported in the literature in individuals affected with PCLO-related conditions. This variant is present in population databases (no rsID available, gnomAD 0.007%). This sequence change replaces alanine, which is neutral and non-polar, with serine, which is neutral and polar, at codon 1605 of the PCLO protein (p.Ala1605Ser).

NM_033026.6(PCLO):c.4813G>T (p.Ala1605Ser)

Gene: PCLO (piccolo presynaptic cytomatrix protein; minus strand). Cytogenetic location: 7q21.11.
Variant type: single nucleotide variant.
Coding change: c.4813G>T on transcript NM_033026.6 (MANE Select); coding-DNA position 4813, G replaced by T.
Protein change: p.Ala1605Ser; replaces alanine 1605 with serine.
Molecular consequence: missense variant.
Genome position (GRCh38, 1-based): chr7:82,956,140, C>A on the plus strand (G>T on the coding strand, the complement: PCLO is on the minus strand). VCF-style: chr7-82956140-C-A. GRCh37 (hg19) VCF-style: chr7-82585456-C-A.
Other names: c.4813G>T, p.Ala1605Ser (NM_014510.3); short protein forms A1605S.
Identifiers: ClinVar variation 2094884 (VCV002094884.4), dbSNP rs936518331, ClinGen allele CA161150782.